The following is an entry in ClinVar:

GRCh37/hg19 2q22.1(chr2:138458639-141918297)x1

Genes: HNMT (histamine N-methyltransferase; plus strand), LRP1B (LDL receptor related protein 1B; minus strand), NXPH2 (neurexophilin 2; minus strand), SPOPL (speckle type BTB/POZ protein like; plus strand). Cytogenetic location: 2q22.1.
Variant type: copy number loss.
Change: copy number 1 (one copy instead of two) of chr2:138,458,639-141,918,297 (3.46 Mb, GRCh37 coordinates, 1-based), cytogenetic band 2q22.1.
Identifiers: ClinVar variation 2664508 (VCV002664508.1).

ClinVar aggregate classification (germline): Likely pathogenic (0 of 4 stars; one submission).

Conditions:
Syndromic craniosynostosis. Identifiers: Orphanet 139393, MedGen C5680624, MONDO:0015338.

Submission:

Klinisk genetik och genomik Research, Gothenburg University
Classification: Likely pathogenic for Syndromic craniosynostosis. Last evaluated: 2023-11-09. Review status: no assertion criteria provided. Collection method: research. Allele origin: de novo. Affected: yes.